The following is an entry in ClinVar:

NM_000059.4(BRCA2):c.6787delinsTT (p.Val2263fs)

Gene: BRCA2 (BRCA2 DNA repair associated; plus strand). Cytogenetic location: 13q13.1.
Variant type: Indel.
Coding change: c.6787delinsTT on transcript NM_000059.4 (MANE Select); coding-DNA position 6787, G replaced by TT.
Protein change: p.Val2263fs; shifts the reading frame from valine 2263.
Molecular consequence: frameshift variant. On other transcripts: non-coding transcript variant (1), intron variant (2).
Genome position (GRCh38, 1-based): chr13:32,341,142, G replaced by TT. VCF-style: chr13-32341142-G-TT. GRCh37 (hg19) VCF-style: chr13-32915279-G-TT.
Other names: c.6787delinsTT, p.Val2263fs (NM_001406719.1, NM_001406720.1, NM_001432077.1); c.1910-3416delinsTT (NM_001406721.1); c.425-3416delinsTT (NM_001406722.1); short protein forms V2263fs.
Identifiers: ClinVar variation 3382068 (VCV003382068.3).

ClinVar aggregate classification (germline): Likely pathogenic (1 of 4 stars; one submission).

Conditions:
Wilms tumor 1 (WT1). Also called: Wilms tumor, somatic. Identifiers: Orphanet 654, MedGen CN033288, MONDO:0008679, OMIM 194070.
Medulloblastoma (MDB). Also called: MEDULLOBLASTOMA PREDISPOSITION SYNDROME; Medulloblastoma, somatic. Identifiers: Orphanet 616, MedGen C0025149, MeSH D008527, MONDO:0007959, OMIM 155255, HP:0002885.
Pancreatic cancer, susceptibility to, 2. Identifiers: Orphanet 1333, MedGen C3150546, MONDO:0013235, OMIM 613347.
Breast-ovarian cancer, familial, susceptibility to, 2 (BROVCA2). Also called: BRCA2 Hereditary Breast and Ovarian Cancer. Identifiers: Orphanet 145, MedGen C2675520, MONDO:0012933, OMIM 612555. Disease mechanism: loss of function.
Glioma susceptibility 3 (GLM3). Also called: Glioblastoma 3. Identifiers: Orphanet 182067, Orphanet 360, MedGen C2751641, MONDO:0013093, OMIM 613029.
Fanconi anemia complementation group D1. Also called: BRCA2-Related Fanconi Anemia. Identifiers: Orphanet 319462, MedGen C1838457, MONDO:0011584, OMIM 605724.
Familial prostate cancer. Also called: Hereditary Prostate Cancer. Identifiers: MedGen C2931456, MONDO:0700275, OMIM 176807.
Familial cancer of breast. Also called: BREAST CANCER, FAMILIAL; Hereditary breast cancer; hereditary breast carcinoma. Identifiers: Orphanet 227535, MedGen C0346153, MONDO:0016419, OMIM 114480. Disease mechanism: loss of function.

Submission:

Juno Genomics, Hangzhou Juno Genomics, Inc
Classification: Likely pathogenic for Familial cancer of breast; Breast-ovarian cancer, familial, susceptibility to, 2; Glioma susceptibility 3; Medulloblastoma; Pancreatic cancer, susceptibility to, 2; Familial prostate cancer; Fanconi anemia complementation group D1; Wilms tumor 1. Review status: criteria provided, single submitter. Criteria: ACMG Guidelines, 2015. Collection method: clinical testing. Allele origin: germline.
Comment: Absent from controls (or at extremely low frequency if recessive) in Genome Aggregation Database.;Null variant in a gene where loss of function (LOF) is a known mechanism of disease.